The following is an entry in ClinVar:

NM_001267550.2(TTN):c.107457_107459dup (p.Ser35820_Val35821insSer)

Genes: TTN (titin; minus strand), TTN-AS1 (TTN antisense RNA 1; plus strand). Cytogenetic location: 2q31.2.
Variant type: Duplication.
Coding change: c.107457_107459dup on transcript NM_001267550.2 (MANE Select); coding-DNA positions 107457 to 107459, 3 bases duplicated (GTC; older notation c.107457_107459dupGTC).
Protein change: p.Ser35820_Val35821insSer.
Molecular consequence: inframe insertion.
Genome position (GRCh38, 1-based): chr2:178,527,667-178,527,669, GAC duplicated on the plus strand (GTC on the coding strand, the reverse complement: TTN is on the minus strand). VCF-style (leftmost placement, unchanged base first): chr2-178527666-T-TGAC. GRCh37 (hg19) VCF-style: chr2-179392393-T-TGAC.
Other names: c.102534_102536dup, p.Ser34179_Val34180insSer (NM_001256850.1); c.80262_80264dup, p.Ser26755_Val26756insSer (NM_003319.4); c.99753_99755dup, p.Ser33252_Val33253insSer (NM_133378.4); c.80637_80639dup, p.Ser26880_Val26881insSer (NM_133432.3); c.80838_80840dup, p.Ser26947_Val26948insSer (NM_133437.4); c.80262_80264dupGTC (NM_003319.4).
Identifiers: ClinVar variation 3330049 (VCV003330049.1).
Genomic context (GRCh38, chr2:178,527,666, plus strand): 5'-AGCACTGCTGCTGCTGAAACTGCTGAAGGAGGCCTCCTGCTTGGAGGCAGACATTTGGAC[T>TGAC]GACTGAGACGAGAAGCTTCCTTGCAAGCTTGTGTCACCACTTGTTCTCAATACTACCTCT-3'

ClinVar aggregate classification (germline): Uncertain significance (1 of 4 stars; one submission).

Conditions:
Cardiovascular phenotype. Identifiers: MedGen CN230736.

Submission:

Ambry Genetics
Classification: Uncertain significance for Cardiovascular phenotype. Last evaluated: 2024-03-24. Review status: criteria provided, single submitter. Criteria: Ambry Variant Classification Scheme 2023. Collection method: clinical testing. Allele origin: germline.
Comment: The c.80262_80264dupGTC variant (also known as p.S26755dup), located in coding exon 189 of the TTN gene, results from an in-frame duplication of GTC at nucleotide positions 80262 to 80264. This results in the duplication of an extra residue between codons 26755 and 26756. This amino acid position is highly conserved in available vertebrate species. In addition, this alteration is predicted to be deleterious by in silico analysis (Choi Y et al. PLoS ONE. 2012; 7(10):e46688). Based on the available evidence, the clinical significance of this alteration remains unclear.